The following is an entry in ClinVar:

NM_000059.4(BRCA2):c.6193C>G (p.Gln2065Glu)

Gene: BRCA2 (BRCA2 DNA repair associated; plus strand). Cytogenetic location: 13q13.1.
Variant type: single nucleotide variant.
Coding change: c.6193C>G on transcript NM_000059.4 (MANE Select); coding-DNA position 6193, C replaced by G.
Protein change: p.Gln2065Glu; replaces glutamine 2065 with glutamic acid.
Molecular consequence: missense variant.
Genome position (GRCh38, 1-based): chr13:32,340,548, C>G. VCF-style: chr13-32340548-C-G. GRCh37 (hg19) VCF-style: chr13-32914685-C-G.
Other names: c.6193C>G, p.Gln2065Glu (NM_001406719.1, NM_001406720.1); short protein forms Q2065E.
Identifiers: ClinVar variation 1752126 (VCV001752126.4), dbSNP rs2137525105, ClinGen allele CA387788820.
Genomic context (GRCh38, chr13:32,340,548, plus strand): 5'-TTTTCATATAATGTGGTAAATTCATCTGCTTTCTCTGGATTTAGTACAGCAAGTGGAAAG[C>G]AAGTTTCCATTTTAGAAAGTTCCTTACACAAAGTTAAGGGAGTGTTAGAGGAATTTGATT-3'
Protein context (NP_000050.3, residues 2055-2075): FSGFSTASGK[Gln2065Glu]VSILESSLHK

ClinVar aggregate classification (germline): Conflicting classifications of pathogenicity. Review status: criteria provided, conflicting classifications (1 of 4 stars). 2 submissions from 2 submitters: Uncertain significance (1); Likely benign (1). Last evaluated 2023-03-23.

Conditions:
Hereditary cancer-predisposing syndrome. Also called: Hereditary Cancer Syndrome; Hereditary neoplastic syndrome; Neoplastic Syndromes, Hereditary; Tumor predisposition. Identifiers: Orphanet 140162, MedGen C0027672, MeSH D009386, MONDO:0015356.

Submissions (2):

University of Washington Department of Laboratory Medicine, University of Washington
Classification: Likely benign for Hereditary cancer-predisposing syndrome. Last evaluated: 2023-03-23. Review status: criteria provided, single submitter. Criteria: Dines et al. (Genet Med. 2020). Collection method: curation. Allele origin: germline.
Comment: Missense variant in a coldspot region where missense variants are very unlikely to be pathogenic (PMID:31911673).

BRCA2 exon 11 coldspot. Reclassification based on statistical prior probability.

Ambry Genetics
Classification: Uncertain significance for Hereditary cancer-predisposing syndrome. Last evaluated: 2022-04-11. Review status: criteria provided, single submitter. Criteria: Ambry Variant Classification Scheme 2023. Collection method: clinical testing. Allele origin: germline.
Comment: The p.Q2065E variant (also known as c.6193C>G), located in coding exon 10 of the BRCA2 gene, results from a C to G substitution at nucleotide position 6193. The glutamine at codon 2065 is replaced by glutamic acid, an amino acid with highly similar properties. This amino acid position is conserved. In addition, this alteration is predicted to be tolerated by in silico analysis. Since supporting evidence is limited at this time, the clinical significance of this alteration remains unclear.